The following is an entry in ClinVar:

NM_001385641.1(SAMD11):c.994C>T (p.Arg332Cys)

Gene: SAMD11 (sterile alpha motif domain containing 11; plus strand). Cytogenetic location: 1p36.33.
Variant type: single nucleotide variant.
Coding change: c.994C>T on transcript NM_001385641.1 (MANE Select); coding-DNA position 994, C replaced by T.
Protein change: p.Arg332Cys; replaces arginine 332 with cysteine.
Molecular consequence: missense variant.
Genome position (GRCh38, 1-based): chr1:939,066, C>T. VCF-style: chr1-939066-C-T. GRCh37 (hg19) VCF-style: chr1-874446-C-T.
Other names: c.994C>T, p.Arg332Cys (NM_001385640.1); c.457C>T, p.Arg153Cys (NM_152486.4); short protein forms R153C, R332C.
Identifiers: ClinVar variation 861002 (VCV000861002.7), dbSNP rs145975434, ClinGen allele CA502629.

ClinVar aggregate classification (germline): Uncertain significance. Review status: criteria provided, multiple submitters, no conflicts (2 of 4 stars). 3 submissions from 3 submitters: Uncertain significance (2). 1 of the submissions does not count toward it. Last evaluated 2024-11-13.

Conditions:
Retinal dystrophy. Also called: Inherited retinal dystrophy. Identifiers: Orphanet 71862, MedGen C0854723, MeSH D058499, MONDO:0019118, HP:0000556.

Allele frequency attached by ClinVar (database versions not stated): gnomAD exomes 0.00005 and 0.00009; gnomAD 0.00015 and 0.00016; ExAC 0.00017; TOPMed 0.00017; ESP Exome Variant Server 0.00023; 1000 Genomes Project 30x 0.00031; 1000 Genomes Project 0.00040.
gnomAD v4.1: 101 of 1,605,030 alleles (0.0063%); highest among the groups gnomAD compares: Middle Eastern, 0.13%; no homozygotes.

Submissions (3):

Ambry Genetics
Classification: Uncertain significance. Last evaluated: 2024-11-13. Review status: criteria provided, single submitter. Criteria: Ambry Variant Classification Scheme 2023. Collection method: clinical testing. Allele origin: germline.

Labcorp Genetics (formerly Invitae), Labcorp
Classification: Uncertain significance. Last evaluated: 2022-10-24. Review status: criteria provided, single submitter. Criteria: Invitae Variant Classification Sherloc (09022015). Collection method: clinical testing. Allele origin: germline.
Comment: This sequence change replaces arginine, which is basic and polar, with cysteine, which is neutral and slightly polar, at codon 153 of the SAMD11 protein (p.Arg153Cys). This variant is present in population databases (rs145975434, gnomAD 0.06%). This variant has not been reported in the literature in individuals affected with SAMD11-related conditions. ClinVar contains an entry for this variant (Variation ID: 861002). Algorithms developed to predict the effect of missense changes on protein structure and function output the following: SIFT: "Tolerated"; PolyPhen-2: "Benign"; Align-GVGD: "Class C0". The cysteine amino acid residue is found in multiple mammalian species, which suggests that this missense change does not adversely affect protein function. In summary, the available evidence is currently insufficient to determine the role of this variant in disease. Therefore, it has been classified as a Variant of Uncertain Significance.

Institute of Human Genetics, Univ. Regensburg, Univ. Regensburg
Classification: Uncertain significance for Retinal dystrophy. Last evaluated: 2022-01-01. Review status: no assertion criteria provided. Criteria: ACMG Guidelines, 2015. Collection method: clinical testing. Allele origin: germline. Affected: yes. Not counted in ClinVar's aggregate classification.